The following is an entry in ClinVar:

ClinVar aggregate classification (germline): Uncertain significance. Review status: criteria provided, multiple submitters, no conflicts (2 of 4 stars). 2 submissions from 2 submitters: Uncertain significance (2). Last evaluated 2024-08-26.

Conditions:
Inborn genetic diseases. Identifiers: MedGen C0950123, MeSH D030342.
Developmental and epileptic encephalopathy, 23 (DEE23). Also called: Epileptic encephalopathy, early infantile, 23. Identifiers: Orphanet 411986, MedGen C4014492, MONDO:0014371, OMIM 615859.

Allele frequency attached by ClinVar (database versions not stated): gnomAD exomes 0.00001; gnomAD 0.00002; TOPMed 0.00002.
gnomAD v4.1: 11 of 1,613,656 alleles (0.00068%); highest among the groups gnomAD compares: Non-Finnish European, 0.00093%; no homozygotes.

Submissions (2):

Ambry Genetics
Classification: Uncertain significance for Inborn genetic diseases. Last evaluated: 2024-08-26. Review status: criteria provided, single submitter. Criteria: Ambry Variant Classification Scheme 2023. Collection method: clinical testing. Allele origin: germline.

Labcorp Genetics (formerly Invitae), Labcorp
Classification: Uncertain significance for Developmental and epileptic encephalopathy, 23. Last evaluated: 2022-02-22. Review status: criteria provided, single submitter. Criteria: Invitae Variant Classification Sherloc (09022015). Collection method: clinical testing. Allele origin: germline.
Comment: This sequence change replaces valine, which is neutral and non-polar, with leucine, which is neutral and non-polar, at codon 1984 of the DOCK7 protein (p.Val1984Leu). This variant is present in population databases (no rsID available, gnomAD 0.01%). This variant has not been reported in the literature in individuals affected with DOCK7-related conditions. Algorithms developed to predict the effect of missense changes on protein structure and function (SIFT, PolyPhen-2, Align-GVGD) all suggest that this variant is likely to be disruptive. In summary, the available evidence is currently insufficient to determine the role of this variant in disease. Therefore, it has been classified as a Variant of Uncertain Significance.

NM_001367561.1(DOCK7):c.5983G>C (p.Val1995Leu)

Gene: DOCK7 (dedicator of cytokinesis 7; minus strand). Cytogenetic location: 1p31.3.
Variant type: single nucleotide variant.
Coding change: c.5983G>C on transcript NM_001367561.1 (MANE Select); coding-DNA position 5983, G replaced by C.
Protein change: p.Val1995Leu; replaces valine 1995 with leucine.
Molecular consequence: missense variant.
Genome position (GRCh38, 1-based): chr1:62,475,330, C>G on the plus strand (G>C on the coding strand, the complement: DOCK7 is on the minus strand). VCF-style: chr1-62475330-C-G. GRCh37 (hg19) VCF-style: chr1-62941001-C-G.
Other names: c.5950G>C, p.Val1984Leu (NM_001271999.2); c.5863G>C, p.Val1955Leu (NM_001272000.2); c.5857G>C, p.Val1953Leu (NM_001272001.2); c.5956G>C, p.Val1986Leu (NM_001330614.2); c.5890G>C, p.Val1964Leu (NM_033407.4); c.5890G>C (NM_033407.2); short protein forms V1995L, V1953L, V1984L, V1955L, V1964L, V1986L.
Identifiers: ClinVar variation 1355318 (VCV001355318.4), dbSNP rs1010562693, ClinGen allele CA23748450.